The following is an entry in ClinVar:

NM_001375380.1(EBF3):c.639T>A (p.Val213=)

Gene: EBF3 (EBF transcription factor 3; minus strand). Cytogenetic location: 10q26.3.
Variant type: single nucleotide variant.
Coding change: c.639T>A on transcript NM_001375380.1 (MANE Select); coding-DNA position 639, T replaced by A.
Protein change: p.Val213=; no amino-acid change (valine 213 retained).
Molecular consequence: synonymous variant.
Genome position (GRCh38, 1-based): chr10:129,873,594, A>T on the plus strand (T>A on the coding strand, the complement: EBF3 is on the minus strand). VCF-style: chr10-129873594-A-T. GRCh37 (hg19) VCF-style: chr10-131671858-A-T.
Other names: c.639T>A, p.Val213= (NM_001005463.3, NM_001375379.1, NM_001375389.1 and 3 more transcripts).
Identifiers: ClinVar variation 4979352 (VCV004979352.1).

ClinVar aggregate classification (germline): Uncertain significance (1 of 4 stars; one submission).

Conditions:
EBF3-related disorder. Identifiers: MedGen CN239924.

gnomAD v4.1: 7 of 1,534,034 alleles (0.00046%); highest among the groups gnomAD compares: Admixed American, 0.015%; no homozygotes.

Submission:

PreventionGenetics, part of Exact Sciences
Classification: Uncertain significance for EBF3-related condition. Last evaluated: 2024-11-27. Review status: criteria provided, single submitter. Criteria: ACMG Guidelines, 2015. Collection method: clinical testing. Allele origin: germline.
Comment: The EBF3 c.639T>A variant is not predicted to result in an amino acid change (p.=). To our knowledge, this variant has not been reported in the literature. This variant is reported in 0.0047% of alleles in individuals of Latino descent in gnomAD. At this time, the clinical significance of this variant is uncertain due to the absence of conclusive functional and genetic evidence.